The following is an entry in ClinVar:

ClinVar aggregate classification (germline): Uncertain significance (1 of 4 stars; one submission).

Allele frequency attached by ClinVar (database versions not stated): ExAC 0.00001; gnomAD 0.00001 and 0.00002; gnomAD exomes 0.00001 and 0.00002; 1000 Genomes Project 30x 0.00016; 1000 Genomes Project 0.00020.

Submission:

Labcorp Genetics (formerly Invitae), Labcorp
Classification: Uncertain significance. Last evaluated: 2021-08-26. Review status: criteria provided, single submitter. Criteria: Invitae Variant Classification Sherloc (09022015). Collection method: clinical testing. Allele origin: germline.
Comment: This sequence change replaces arginine with glutamine at codon 330 of the DNAAF4 protein (p.Arg330Gln). The arginine residue is highly conserved and there is a small physicochemical difference between arginine and glutamine. This variant is present in population databases (rs548158213, ExAC 0.009%). This variant has not been reported in the literature in individuals affected with DNAAF4-related conditions. Algorithms developed to predict the effect of missense changes on protein structure and function (SIFT, PolyPhen-2, Align-GVGD) all suggest that this variant is likely to be disruptive. Algorithms developed to predict the effect of sequence changes on RNA splicing suggest that this variant may create or strengthen a splice site. This variant disrupts the p.Arg330 amino acid residue in DNAAF4. Other variant(s) that disrupt this residue have been determined to be pathogenic (PMID: 26139845; Invitae). This suggests that this residue is clinically significant, and that variants that disrupt this residue are likely to be disease-causing. In summary, the available evidence is currently insufficient to determine the role of this variant in disease. Therefore, it has been classified as a Variant of Uncertain Significance.

Literature cited by the submitters: PubMed 26139845.

NM_130810.4(DNAAF4):c.989G>A (p.Arg330Gln)

Genes: DNAAF4 (dynein axonemal assembly factor 4; minus strand), DNAAF4-CCPG1 (DNAAF4-CCPG1 readthrough (NMD candidate); minus strand). Cytogenetic location: 15q21.3.
Variant type: single nucleotide variant.
Coding change: c.989G>A on transcript NM_130810.4 (MANE Select); coding-DNA position 989, G replaced by A.
Protein change: p.Arg330Gln; replaces arginine 330 with glutamine.
Molecular consequence: missense variant. On other transcripts: non-coding transcript variant (1).
Genome position (GRCh38, 1-based): chr15:55,434,963, C>T on the plus strand (G>A on the coding strand, the complement: DNAAF4 is on the minus strand). VCF-style: chr15-55434963-C-T. GRCh37 (hg19) VCF-style: chr15-55727161-C-T.
Other names: c.989G>A, p.Arg330Gln (NM_001033559.3, NM_001033560.2); short protein forms R330Q.
Identifiers: ClinVar variation 1378331 (VCV001378331.5), dbSNP rs548158213, ClinGen allele CA7574864.